The following is an entry in ClinVar:

GRCh38/hg38 12q21.2-21.31(chr12:75683698-80195649)x1

Genes: MIR1252 (microRNA 1252; plus strand), NAP1L1 (nucleosome assembly protein 1 like 1; minus strand), NAV3 (neuron navigator 3; plus strand), OSBPL8 (oxysterol binding protein like 8; minus strand), OTOGL (otogelin like; plus strand) and 74 more. Cytogenetic location: 12q21.2-21.31.
Variant type: copy number loss.
Change: copy number 1 (one copy instead of two) of chr12:75,683,698-80,195,649 (4.51 Mb, GRCh38 coordinates, 1-based), cytogenetic band 12q21.2-21.31.
Identifiers: ClinVar variation 57208 (VCV000057208.1).

ClinVar aggregate classification (germline): Pathogenic (1 of 4 stars; one submission).

Submission:

ISCA site 4
Classification: Pathogenic. Last evaluated: 2011-08-12. Review status: criteria provided, single submitter. Criteria: Kaminsky et al. (Genet Med. 2011). Collection method: clinical testing. Allele origin: maternal. Affected: yes. Observed: 1 variant allele.
Comment: Copy number variation identified through the course of routine clinical cytogenomic testing in postnatal populations. Clinical assertions have been curated as described in Kaminsky et al. 2011.